The following is an entry in ClinVar:

ClinVar aggregate classification (germline): Uncertain significance (1 of 4 stars; one submission).

Allele frequency attached by ClinVar (database versions not stated): gnomAD exomes below 0.00001; ExAC 0.00001; TOPMed 0.00001; gnomAD 0.00002.
gnomAD v4.1: 4 of 1,613,998 alleles (0.00025%); highest among the groups gnomAD compares: African/African-American, 0.004%; no homozygotes.

Submission:

Labcorp Genetics (formerly Invitae), Labcorp
Classification: Uncertain significance. Last evaluated: 2025-11-21. Review status: criteria provided, single submitter. Criteria: Invitae Variant Classification Sherloc (09022015). Collection method: clinical testing. Allele origin: germline.
Comment: This sequence change replaces valine, which is neutral and non-polar, with isoleucine, which is neutral and non-polar, at codon 1112 of the A2ML1 protein (p.Val1112Ile). This variant is present in population databases (rs746843098, gnomAD 0.003%). This variant has not been reported in the literature in individuals affected with A2ML1-related conditions. ClinVar contains an entry for this variant (Variation ID: 2712747). An algorithm developed to predict the effect of missense changes on protein structure and function outputs the following: PolyPhen-2: "Benign". The isoleucine amino acid residue is found in multiple mammalian species, which suggests that this missense change does not adversely affect protein function. In summary, the available evidence is currently insufficient to determine the role of this variant in disease. Therefore, it has been classified as a Variant of Uncertain Significance.

NM_144670.6(A2ML1):c.3334G>A (p.Val1112Ile)

Gene: A2ML1 (alpha-2-macroglobulin like 1; plus strand). Cytogenetic location: 12p13.31.
Variant type: single nucleotide variant.
Coding change: c.3334G>A on transcript NM_144670.6 (MANE Select); coding-DNA position 3334, G replaced by A.
Protein change: p.Val1112Ile; replaces valine 1112 with isoleucine.
Molecular consequence: missense variant.
Genome position (GRCh38, 1-based): chr12:8,860,950, G>A. VCF-style: chr12-8860950-G-A. GRCh37 (hg19) VCF-style: chr12-9013546-G-A.
Other names: c.1861G>A, p.Val621Ile (NM_001282424.3); short protein forms V1112I, V621I.
Identifiers: ClinVar variation 2712747 (VCV002712747.3), dbSNP rs746843098, ClinGen allele CA6436338.
Genomic context (GRCh38, chr12:8,860,950, plus strand): 5'-GATGATGAGGTCTCCTTGACTGCGTATGTCACAGCTGCATTGCTGGAGATGGGAAAGGAT[G>A]TAGATGTAAGTTCTCCTGGCTCCTGCTCTTGATACCCTCCTTCTCATGCGTATTCCTAGA-3'
Protein context (NP_653271.3, residues 1102-1122): TAALLEMGKD[Val1112Ile]DDPMVSQGLR